The following is an entry in ClinVar:

ClinVar aggregate classification (germline): Uncertain significance (1 of 4 stars; one submission).

Submission:

GeneDx
Classification: Uncertain significance. Last evaluated: 2026-03-06. Review status: criteria provided, single submitter. Criteria: GeneDx Variant Classification Process June 2021. Collection method: clinical testing. Allele origin: germline.
Comment: Not observed at significant frequency in large population cohorts (gnomAD); In silico analysis suggests that this missense variant does not alter protein structure/function; Has not been previously published as pathogenic or benign to our knowledge

NM_005862.3(STAG1):c.2333A>T (p.Gln778Leu)

Gene: STAG1 (STAG1 cohesin complex component; minus strand). Cytogenetic location: 3q22.3.
Variant type: single nucleotide variant.
Coding change: c.2333A>T on transcript NM_005862.3 (MANE Select); coding-DNA position 2333, A replaced by T.
Protein change: p.Gln778Leu; replaces glutamine 778 with leucine.
Molecular consequence: missense variant.
Genome position (GRCh38, 1-based): chr3:136,377,697, T>A on the plus strand (A>T on the coding strand, the complement: STAG1 is on the minus strand). VCF-style: chr3-136377697-T-A. GRCh37 (hg19) VCF-style: chr3-136096539-T-A.
Other names: short protein forms Q778L.
Identifiers: ClinVar variation 4282382 (VCV004282382.2).